The following is an entry in ClinVar:

NM_020937.4(FANCM):c.3810T>C (p.Ser1270=)

Gene: FANCM (FA complementation group M; plus strand). Cytogenetic location: 14q21.2.
Variant type: single nucleotide variant.
Coding change: c.3810T>C on transcript NM_020937.4 (MANE Select); coding-DNA position 3810, T replaced by C.
Protein change: p.Ser1270=; no amino-acid change (serine 1270 retained).
Molecular consequence: synonymous variant.
Genome position (GRCh38, 1-based): chr14:45,176,564, T>C. VCF-style: chr14-45176564-T-C. GRCh37 (hg19) VCF-style: chr14-45645767-T-C.
Other names: c.3732T>C, p.Ser1244= (NM_001308133.2).
Identifiers: ClinVar variation 3055188 (VCV003055188.3), dbSNP rs2503194755, ClinGen allele CA486347222.

ClinVar aggregate classification (germline): Likely benign. Review status: criteria provided, single submitter (1 of 4 stars). 2 submissions from 2 submitters: Likely benign (1). 1 of the submissions does not count toward it. Last evaluated 2026-01-20.

Conditions:
FANCM-related disorder. Also called: FANCM-related condition.
Inborn genetic diseases. Identifiers: MedGen C0950123, MeSH D030342.

Submissions (2):

Ambry Genetics
Classification: Likely benign for Inborn genetic diseases. Last evaluated: 2026-01-20. Review status: criteria provided, single submitter. Criteria: Ambry Variant Classification Scheme 2023. Collection method: clinical testing. Allele origin: germline.

PreventionGenetics, part of Exact Sciences
Classification: Likely benign for FANCM-related condition. Last evaluated: 2023-07-08. Review status: no assertion criteria provided. Collection method: clinical testing. Allele origin: germline. Not counted in ClinVar's aggregate classification.
Comment: This variant is classified as likely benign based on ACMG/AMP sequence variant interpretation guidelines (Richards et al. 2015 PMID: 25741868, with internal and published modifications).